The following is an entry in ClinVar:

Conditions:
Long QT syndrome 5 (LQT5). Identifiers: Orphanet 101016, Orphanet 768, MedGen C1867904, MONDO:0013372, OMIM 613695.

Submission:

Roden Lab, Vanderbilt University Medical Center
No classification provided (evidence only). Condition: Long QT syndrome 5. Review status: no classification provided. Collection method: in vitro. Allele origin: not applicable. Functional consequence: Effect on ion channel function.
ClinVar note: "not provided" was previously submitted as the classification for the variant. However, the classification appeared to be based only on an observation of functional data so it was converted to no classification on 2025-07-30.

NM_000219.6(KCNE1):c.46C>G (p.Leu16Val)

Gene: KCNE1 (potassium voltage-gated channel subfamily E regulatory subunit 1; minus strand). Cytogenetic location: 21q22.12.
Variant type: single nucleotide variant.
Coding change: c.46C>G on transcript NM_000219.6 (MANE Select); coding-DNA position 46, C replaced by G.
Protein change: p.Leu16Val; replaces leucine 16 with valine.
Molecular consequence: missense variant.
Genome position (GRCh38, 1-based): chr21:34,449,589, G>C on the plus strand (C>G on the coding strand, the complement: KCNE1 is on the minus strand). VCF-style: chr21-34449589-G-C. GRCh37 (hg19) VCF-style: chr21-35821887-G-C.
Other names: c.46C>G, p.Leu16Val (NM_001127668.4, NM_001127669.4, NM_001127670.4 and 4 more transcripts); short protein forms L16V.
Identifiers: ClinVar variation 3373899 (VCV003373899.2).